The following continues an entry in ClinVar:

NM_002693.3(POLG):c.2243G>C (p.Trp748Ser)

Gene: POLG. ClinVar aggregate classification (germline): Pathogenic/Likely pathogenic. Pathogenic (34); Likely pathogenic (4).

Submissions 25 to 38 of 49:

MGZ Medical Genetics Center
Classification: Pathogenic for Progressive sclerosing poliodystrophy. Last evaluated: 2022-02-28. Review status: criteria provided, single submitter. Criteria: ACMG Guidelines, 2015. Collection method: clinical testing. Allele origin: germline. Affected: yes. Observed: 4 variant alleles.
Comment: ACMG criteria applied: PS4, PS3_MOD, PM3, PP1, PP3

Mayo Clinic Laboratories, Mayo Clinic
Classification: Pathogenic. Last evaluated: 2021-04-30. Review status: criteria provided, single submitter. Criteria: ACMG Guidelines, 2015. Collection method: clinical testing. Allele origin: germline.

Molecular Medicine for Neurodegenerative and Neuromuscular Diseases Unit, IRCCS Fondazione Stella Maris
Classification: Pathogenic for Sensory ataxic neuropathy, dysarthria, and ophthalmoparesis. Last evaluated: 2021-01-04. Review status: criteria provided, single submitter. Criteria: ACMG Guidelines, 2015. Collection method: research. Allele origin: unknown. Affected: yes.

Institute of Medical Genetics and Applied Genomics, University Hospital Tübingen
Classification: Pathogenic. Last evaluated: 2020-10-23. Review status: criteria provided, single submitter. Criteria: ACMG Guidelines, 2015. Collection method: clinical testing. Allele origin: germline. Inheritance: Unknown mechanism. Affected: yes.

Institute of Human Genetics, University of Leipzig Medical Center
Classification: Pathogenic for Sensory ataxic neuropathy, dysarthria, and ophthalmoparesis. Last evaluated: 2020-08-18. Review status: criteria provided, single submitter. Criteria: ACMG Guidelines, 2015. Collection method: clinical testing. Allele origin: unknown. Inheritance: Autosomal recessive inheritance. Affected: yes.
Comment: Criteria applied: PS3,PM3_STR,PS4_MOD,PP3

GeneDx
Classification: Pathogenic. Last evaluated: 2020-01-21. Review status: criteria provided, single submitter. Criteria: GeneDx Variant Classification Process June 2021. Collection method: clinical testing. Allele origin: germline. Affected: yes.
Comment: In silico analysis, which includes protein predictors and evolutionary conservation, supports a deleterious effect; This variant is associated with the following publications: (PMID: 20691285, 21956653, 21455106, 25713120, 21880868, 22616202, 20438629, 25025039, 22189570, 25497598, 21515089, 23448099, 23808377, 21993618, 23212759, 22166854, 20576279, 20818383, 21236670, 22931735, 25585994, 15477547, 17088268, 24841123, 20153822, 26755490, 27290639, 28130605, 27450679, 26104464, 27822509, 23248042, 26607151, 26942291, 15824347, 18991199, 29482223, 28471437, 18546343, 18321754, 24725338, 19566497, 18294203, 24122062, 30306720, 29655203, 30423451, 31164858, 27422324, 30860128, 30843307, 31980526, 31475037, 32445240, 33469851, 33300680, 32964447)

Centre for Mendelian Genomics, University Medical Centre Ljubljana
Classification: Pathogenic for Mitochondrial DNA depletion syndrome 4b. Last evaluated: 2019-06-10. Review status: criteria provided, single submitter. Criteria: ACMG Guidelines, 2015. Collection method: clinical testing. Allele origin: unknown. Affected: yes.
Comment: This variant was classified as: Pathogenic. The following ACMG criteria were applied in classifying this variant: PS1,PS3,PM2,PP1,PP3,PP4.

Wong Mito Lab, Molecular and Human Genetics, Baylor College of Medicine
Classification: Pathogenic for Progressive sclerosing poliodystrophy. Last evaluated: 2018-10-01. Review status: criteria provided, single submitter. Criteria: ACMG Guidelines, 2015. Collection method: clinical testing. Allele origin: germline.
Comment: The NM_002693.2:c.2243G>C (NP_002684.1:p.Trp748Ser) [GRCH38: NC_000015.10:g.89323426C>G] variant in POLG gene is interpretated to be a Pathogenic based on ACMG guidelines (PMID: 25741868). This variant has been reported in PMID:17088268 ; 21880868 . This variant meets the following evidence codes reported in the ACMG-guideline. PS1:This variation causes same amino-acid change as an established pathogenic variant. PS3:Well established functional studies show a deleterious effect on POLG. PM2:This variant is absent in key population databases. PM3:Detected in trans with a pathogenic variant for Mitochondrial DNA depletion syndrome 4A (Alpers type) which is a recessive disorder. PP1:This variant is co-segregated with Mitochondrial DNA depletion syndrome 4A (Alpers type) in multiple affected family members. PP4:Patient's phenotype or family history is highly specific for POLG. Based on the evidence criteria codes applied, the variant is suggested to be Pathogenic.

Laboratory for Molecular Medicine, Mass General Brigham Personalized Medicine
Classification: Pathogenic for POLG-Related Spectrum Disorders. Last evaluated: 2018-08-23. Review status: criteria provided, single submitter. Criteria: LMM Criteria. Collection method: clinical testing. Allele origin: germline. Inheritance: Autosomal recessive inheritance. Observed: 1 variant allele.
Comment: The p.Trp748Ser variant in POLG has been reported in the homozygous or compound heterozygous state in >20 individuals with POLG-related mitochondrial disorders (Tang 2011, Brunetti-Pierri 2008, Tzoulis 2009, Nicastro 2016, Arkadir 2015, Leh mann 2016). This variant has also been reported in ClinVar (Variation ID# 13507) and has been identified in 0.636% (164/25774) of Finnish chromosomes by the Gen ome Aggregation Database (gnomAD). However, th is frequency is low enough to be consistent with a recessive carrier frequency. In vitro functional studies provide some evidence that the p.Trp748Ser variant m ay impact protein function (Chan 2006); however, these types of assays may not a ccurately represent biological function. In summary, this variant meets criteria to be classified as pathogenic for POLG-related mitochondrial disorders in an a utosomal recessive manner based upon presence in affected individuals and functi onal evidence. ACMG/AMP Criteria applied: PM3_VeryStrong, PS3_Moderate, PP3.

ARUP Laboratories, Molecular Genetics and Genomics, ARUP Laboratories
Classification: Pathogenic. Last evaluated: 2017-03-25. Review status: criteria provided, single submitter. Criteria: ARUP Molecular Germline Variant Investigation Process. Collection method: clinical testing. Allele origin: germline.

Clinical Genetics and Genomics, Karolinska University Hospital
Classification: Pathogenic. Last evaluated: 2017-02-15. Review status: criteria provided, single submitter. Criteria: ACMG Guidelines, 2015. Collection method: clinical testing. Allele origin: germline. Affected: yes. Observed: 2 variant alleles.

Illumina Laboratory Services, Illumina
Classification: Pathogenic for POLG-Related Spectrum Disorders. Last evaluated: 2016-06-14. Review status: criteria provided, single submitter. Criteria: ICSL Variant Classification 20161018. Collection method: clinical testing. Allele origin: germline.
Comment: Across a selection of available literature, the c.2243G>C (p.Trp748Ser) variant has been identified in a total of 86 patients with POLG-related spectrum disorders including 52 in a homozygous state, 31 in a compound heterozygous state, and three in a heterozygous state (Van Goethem et al. 2004; Hakonen et al. 2005; Tzoulis et al. 2006; Tang et al. 2012). Several of these studies indicate that this variant appears to be in cis with a second missense variant, c.3428A>G (p.Glu1143Gly), which is a relatively common variant suggested by Hankonen et al. (2005) to be a polymorphism. The p.Trp748Ser variant has also been detected in a heterozygous state in unaffected family members (Van Goethem et al. 2004). This p.Trp748Ser variant was reported in two of 976 control chromosomes and at a frequency of 0.00566 in the European (Finnish) population of the Exome Aggregation Consortium. Tang et al. (2012) suggest that the Trp248 residue is evolutionarily conserved. Functional studies have been conducted to evaluate the role of the p.Trp748Ser variant on DNA polymerase catalytic activity and binding affinity. Expression of DNA polymerase with wild-type or variant p.Trp748Ser cDNA in baculovirus-infected Sf9 cells showed a decrease in catalytic activity compared to wild type (Chan et al. 2006), but this was not observed in another study (Palin et al. 2012). Both studies showed a decrease in binding affinity of DNA polymerase to DNA in the presence of the p.Trp748Ser variant, at 1.6-fold and 8-fold reduction, respectively. Based on the collective evidence, the p.Trp748Ser variant is classified as pathogenic for POLG-related spectrum disorders.

Eurofins Ntd Llc (ga)
Classification: Pathogenic. Last evaluated: 2016-02-02. Review status: criteria provided, single submitter. Criteria: EGL Classification Definitions. Collection method: clinical testing. Allele origin: germline. Observed: 10 variant alleles, 10 heterozygotes.

Neuberg Centre For Genomic Medicine, NCGM
Classification: Pathogenic for Sensory ataxic neuropathy, dysarthria, and ophthalmoparesis. Review status: criteria provided, single submitter. Criteria: ACMG Guidelines, 2015. Collection method: clinical testing. Allele origin: germline. Inheritance: Autosomal recessive inheritance. Affected: yes.
Comment: The missense c.2243G>C (p.Trp748Ser) in the POLG gene has been observed in individual(s) with autosomal recessive POLG-related disease (Chan, Sherine S L et al.,2006). It is commonly reported in individuals of Finnish ancestry. Functional studies have been conducted to evaluate the role of the p.Trp748Ser variant on DNA polymerase catalytic activity and binding affinity. Expression of DNA polymerase with wild-type or variant p.Trp748Ser cDNA in baculovirus-infected Sf9 cells showed a decrease in catalytic activity compared to wild type (Chan et al. 2006), but this was not observed in another study (Palin et al. 2012). This variant is reported with the allele frequency (0.09%) in the gnomAD Exomes. It is submitted to ClinVar as uncertain Significance/ Likely Pathogenic/ Pathogenic (multiple submissions). Multiple lines of computational evidence predicts a damaging effect on protein structure and function for this variant (Polyphen – score1.00; Sift – score 0.01; Mutation Taster – score 1.00). The amino acid Trptophan at position 748 is changed to a Serine changing protein sequence and it might alter its composition and physico-chemical properties. The amino acid change p.Trp748Ser in POLG is predicted as conserved by GERP++ and PhyloP across 100 vertebrates. For these reasons, this variant has been classified as Pathogenic.